The following is an entry in ClinVar:

NM_152309.3(PIK3AP1):c.1312G>A (p.Gly438Ser)

Genes: PIK3AP1 (phosphoinositide-3-kinase adaptor protein 1; minus strand), LOC130004439 (ATAC-STARR-seq lymphoblastoid active region 3829; plus strand). Cytogenetic location: 10q24.1.
Variant type: single nucleotide variant.
Coding change: c.1312G>A on transcript NM_152309.3 (MANE Select); coding-DNA position 1312, G replaced by A.
Protein change: p.Gly438Ser; replaces glycine 438 with serine.
Molecular consequence: missense variant.
Genome position (GRCh38, 1-based): chr10:96,645,536, C>T on the plus strand (G>A on the coding strand, the complement: PIK3AP1 is on the minus strand). VCF-style: chr10-96645536-C-T. GRCh37 (hg19) VCF-style: chr10-98405293-C-T.
Other names: short protein forms G438S.
Identifiers: ClinVar variation 1429547 (VCV001429547.8), dbSNP rs2134228303, ClinGen allele CA377744277.

ClinVar aggregate classification (germline): Uncertain significance (1 of 4 stars; one submission).

Conditions:
Infantile spasms. Also called: Infantile spasm. Identifiers: MedGen C3887898, HP:0012469.

Allele frequency attached by ClinVar (database versions not stated): gnomAD exomes below 0.00001.
gnomAD v4.1: 5 of 1,613,974 alleles (0.00031%); highest among the groups gnomAD compares: South Asian, 0.0011%; no homozygotes.

Submission:

Labcorp Genetics (formerly Invitae), Labcorp
Classification: Uncertain significance for Infantile spasms. Last evaluated: 2021-06-22. Review status: criteria provided, single submitter. Criteria: Invitae Variant Classification Sherloc (09022015). Collection method: clinical testing. Allele origin: germline.
Comment: In summary, the available evidence is currently insufficient to determine the role of this variant in disease. Therefore, it has been classified as a Variant of Uncertain Significance. Algorithms developed to predict the effect of sequence changes on RNA splicing suggest that this variant may create or strengthen a splice site, but this prediction has not been confirmed by published transcriptional studies. Algorithms developed to predict the effect of missense changes on protein structure and function are either unavailable or do not agree on the potential impact of this missense change (SIFT: "Tolerated"; PolyPhen-2: "Probably Damaging"; Align-GVGD: "Class C0"). This variant has not been reported in the literature in individuals with PIK3AP1-related conditions. This variant is not present in population databases (ExAC no frequency). This sequence change replaces glycine with serine at codon 438 of the PIK3AP1 protein (p.Gly438Ser). The glycine residue is highly conserved and there is a small physicochemical difference between glycine and serine.